The following is an entry in ClinVar:

NM_007255.3(B4GALT7):c.407A>T (p.His136Leu)

Gene: B4GALT7 (beta-1,4-galactosyltransferase 7; plus strand). Cytogenetic location: 5q35.3.
Variant type: single nucleotide variant.
Coding change: c.407A>T on transcript NM_007255.3 (MANE Select); coding-DNA position 407, A replaced by T.
Protein change: p.His136Leu; replaces histidine 136 with leucine.
Molecular consequence: missense variant.
Genome position (GRCh38, 1-based): chr5:177,604,535, A>T. VCF-style: chr5-177604535-A-T. GRCh37 (hg19) VCF-style: chr5-177031536-A-T.
Other names: short protein forms H136L.
Identifiers: ClinVar variation 2037453 (VCV002037453.2), dbSNP rs768536523, ClinGen allele CA3586463.

ClinVar aggregate classification (germline): Uncertain significance (1 of 4 stars; one submission).

Conditions:
Spondylodysplastic Ehlers-Danlos syndrome. Identifiers: Orphanet 536471, Orphanet 75496, MedGen C5680154, MONDO:0007526.

Allele frequency attached by ClinVar (database versions not stated): gnomAD 0.00001; gnomAD exomes 0.00001; ExAC 0.00003.
gnomAD v4.1: 6 of 1,613,576 alleles (0.00037%); highest among the groups gnomAD compares: Non-Finnish European, 0.00042%; no homozygotes.

Submission:

Labcorp Genetics (formerly Invitae), Labcorp
Classification: Uncertain significance for Spondylodysplastic Ehlers-Danlos syndrome. Last evaluated: 2022-03-11. Review status: criteria provided, single submitter. Criteria: Invitae Variant Classification Sherloc (09022015). Collection method: clinical testing. Allele origin: germline.
Comment: This sequence change replaces histidine, which is basic and polar, with leucine, which is neutral and non-polar, at codon 136 of the B4GALT7 protein (p.His136Leu). In summary, the available evidence is currently insufficient to determine the role of this variant in disease. Therefore, it has been classified as a Variant of Uncertain Significance. Algorithms developed to predict the effect of missense changes on protein structure and function are either unavailable or do not agree on the potential impact of this missense change (SIFT: "Tolerated"; PolyPhen-2: "Possibly Damaging"; Align-GVGD: "Class C0"). This variant has not been reported in the literature in individuals affected with B4GALT7-related conditions. This variant is present in population databases (rs768536523, gnomAD 0.004%).